The following is an entry in ClinVar:

NM_020937.4(FANCM):c.2049A>T (p.Glu683Asp)

Gene: FANCM (FA complementation group M; plus strand). Cytogenetic location: 14q21.2.
Variant type: single nucleotide variant.
Coding change: c.2049A>T on transcript NM_020937.4 (MANE Select); coding-DNA position 2049, A replaced by T.
Protein change: p.Glu683Asp; replaces glutamic acid 683 with aspartic acid.
Molecular consequence: missense variant.
Genome position (GRCh38, 1-based): chr14:45,170,635, A>T. VCF-style: chr14-45170635-A-T. GRCh37 (hg19) VCF-style: chr14-45639838-A-T.
Other names: c.1971A>T, p.Glu657Asp (NM_001308133.2); short protein forms E657D, E683D.
Identifiers: ClinVar variation 1039067 (VCV001039067.9), dbSNP rs1888277477, ClinGen allele CA389595944.

ClinVar aggregate classification (germline): Uncertain significance (1 of 4 stars; one submission).

Conditions:
Fanconi anemia (FA). Also called: Fanconi's anemia. Identifiers: Orphanet 84, MedGen C0015625, MeSH D005199, MONDO:0019391.

Submission:

Labcorp Genetics (formerly Invitae), Labcorp
Classification: Uncertain significance for Fanconi anemia. Last evaluated: 2020-01-01. Review status: criteria provided, single submitter. Criteria: Invitae Variant Classification Sherloc (09022015). Collection method: clinical testing. Allele origin: germline.
Comment: In summary, the available evidence is currently insufficient to determine the role of this variant in disease. Therefore, it has been classified as a Variant of Uncertain Significance. Algorithms developed to predict the effect of missense changes on protein structure and function output the following: SIFT: "Tolerated"; PolyPhen-2: "Benign"; Align-GVGD: "Class C0". The aspartic acid amino acid residue is found in multiple mammalian species, suggesting that this missense change does not adversely affect protein function. These predictions have not been confirmed by published functional studies and their clinical significance is uncertain. This variant has not been reported in the literature in individuals with FANCM-related conditions. This variant is not present in population databases (ExAC no frequency). This sequence change replaces glutamic acid with aspartic acid at codon 683 of the FANCM protein (p.Glu683Asp). The glutamic acid residue is weakly conserved and there is a small physicochemical difference between glutamic acid and aspartic acid.